The following is an entry in ClinVar:

NM_000051.4(ATM):c.165G>C (p.Leu55Phe)

Gene: ATM (ATM serine/threonine kinase; plus strand). Cytogenetic location: 11q22.3.
Variant type: single nucleotide variant.
Coding change: c.165G>C on transcript NM_000051.4 (MANE Select); coding-DNA position 165, G replaced by C.
Protein change: p.Leu55Phe; replaces leucine 55 with phenylalanine.
Molecular consequence: missense variant.
Genome position (GRCh38, 1-based): chr11:108,227,868, G>C. VCF-style: chr11-108227868-G-C. GRCh37 (hg19) VCF-style: chr11-108098595-G-C.
Other names: c.165G>C, p.Leu55Phe (NM_001351834.2, NM_001351835.2, NM_001351836.2); short protein forms L55F.
Identifiers: ClinVar variation 453379 (VCV000453379.21), dbSNP rs1555054230, ClinGen allele CA382520467.

ClinVar aggregate classification (germline): Uncertain significance. Review status: criteria provided, multiple submitters, no conflicts (2 of 4 stars). 4 submissions from 4 submitters: Uncertain significance (3). 1 of the submissions does not count toward it. Last evaluated 2024-03-07.

Conditions:
Hereditary cancer-predisposing syndrome. Also called: Tumor predisposition; Hereditary Cancer Syndrome; Neoplastic Syndromes, Hereditary; Hereditary neoplastic syndrome. Identifiers: Orphanet 140162, MedGen C0027672, MeSH D009386, MONDO:0015356.
Ataxia-telangiectasia syndrome (AT). Also called: Cerebello-oculocutaneous telangiectasia; Immunodeficiency with ataxia telangiectasia; Ataxia-telangiectasia, complementation group D; AT, COMPLEMENTATION GROUP C; Ataxia-telangiectasia, complementation group E; LOUIS-BAR SYNDROME. Identifiers: Orphanet 100, MedGen C0004135, MONDO:0008840, OMIM 208900.

Allele frequency attached by ClinVar (database versions not stated): gnomAD exomes below 0.00001.
gnomAD v4.1: 1 of 1,612,404 alleles (0.000062%); highest among the groups gnomAD compares: Non-Finnish European, 0.000085%; no homozygotes.

Submissions (4):

Labcorp Genetics (formerly Invitae), Labcorp
Classification: Uncertain significance for Ataxia-telangiectasia syndrome. Last evaluated: 2024-03-07. Review status: criteria provided, single submitter. Criteria: Invitae Variant Classification Sherloc (09022015). Collection method: clinical testing. Allele origin: germline.
Comment: This sequence change replaces leucine, which is neutral and non-polar, with phenylalanine, which is neutral and non-polar, at codon 55 of the ATM protein (p.Leu55Phe). This variant is not present in population databases (gnomAD no frequency). This variant has not been reported in the literature in individuals affected with ATM-related conditions. ClinVar contains an entry for this variant (Variation ID: 453379). Advanced modeling of protein sequence and biophysical properties (such as structural, functional, and spatial information, amino acid conservation, physicochemical variation, residue mobility, and thermodynamic stability) performed at Invitae indicates that this missense variant is not expected to disrupt ATM protein function with a negative predictive value of 95%. In summary, the available evidence is currently insufficient to determine the role of this variant in disease. Therefore, it has been classified as a Variant of Uncertain Significance.

Ambry Genetics
Classification: Uncertain significance for Hereditary cancer-predisposing syndrome. Last evaluated: 2019-07-29. Review status: criteria provided, single submitter. Criteria: Ambry Variant Classification Scheme 2023. Collection method: clinical testing. Allele origin: germline.
Comment: The p.L55F variant (also known as c.165G>C), located in coding exon 2 of the ATM gene, results from a G to C substitution at nucleotide position 165. The leucine at codon 55 is replaced by phenylalanine, an amino acid with highly similar properties. This amino acid position is highly conserved in available vertebrate species. In addition, this alteration is predicted to be tolerated by in silico analysis. Since supporting evidence is limited at this time, the clinical significance of this alteration remains unclear.

Genetic Services Laboratory, University of Chicago
Classification: Uncertain significance. Last evaluated: 2017-12-19. Review status: criteria provided, single submitter. Criteria: ACMG Guidelines, 2015. Collection method: clinical testing. Allele origin: germline. Affected: no.

Natera, Inc.
Classification: Uncertain significance for Ataxia-telangiectasia. Last evaluated: 2020-11-03. Review status: no assertion criteria provided. Collection method: clinical testing. Allele origin: germline. Not counted in ClinVar's aggregate classification.